The following is an entry in ClinVar:

ClinVar aggregate classification (germline): Uncertain significance. Review status: criteria provided, multiple submitters, no conflicts (2 of 4 stars). 7 submissions from 7 submitters: Uncertain significance (5). 2 of the submissions do not count toward it. Last evaluated 2024-10-29.

Conditions:
NEB-related disorder. Also called: NEB-related condition; NEB-Related Disorders.
Nemaline myopathy 2 (NEM2). Also called: Nemaline myopathy 2, autosomal recessive. Identifiers: MedGen C1850569, MONDO:0009725, OMIM 256030.
Inborn genetic diseases. Identifiers: MedGen C0950123, MeSH D030342.

Allele frequency attached by ClinVar (database versions not stated): gnomAD 0.00003; TOPMed 0.00005; gnomAD exomes 0.00007 and 0.00011; ExAC 0.00010; 1000 Genomes Project 30x 0.00016; 1000 Genomes Project 0.00020.
gnomAD v4.1: 124 of 1,613,994 alleles (0.0077%); highest among the groups gnomAD compares: Middle Eastern, 0.15%; no homozygotes.

Submissions (7):

Labcorp Genetics (formerly Invitae), Labcorp
Classification: Uncertain significance for Nemaline myopathy 2. Last evaluated: 2024-10-29. Review status: criteria provided, single submitter. Criteria: Invitae Variant Classification Sherloc (09022015). Collection method: clinical testing. Allele origin: germline.
Comment: This sequence change replaces lysine, which is basic and polar, with asparagine, which is neutral and polar, at codon 3343 of the NEB protein (p.Lys3343Asn). This variant is present in population databases (rs183321773, gnomAD 0.02%). This variant has not been reported in the literature in individuals affected with NEB-related conditions. ClinVar contains an entry for this variant (Variation ID: 571623). Experimental studies and prediction algorithms are not available or were not evaluated, and the functional significance of this variant is currently unknown. In summary, the available evidence is currently insufficient to determine the role of this variant in disease. Therefore, it has been classified as a Variant of Uncertain Significance.

Ambry Genetics
Classification: Uncertain significance for Inborn genetic diseases. Last evaluated: 2023-12-28. Review status: criteria provided, single submitter. Criteria: Ambry Variant Classification Scheme 2023. Collection method: clinical testing. Allele origin: germline.

Revvity Omics, Revvity
Classification: Uncertain significance. Last evaluated: 2023-12-28. Review status: criteria provided, single submitter. Criteria: ACMG Guidelines, 2015. Collection method: clinical testing. Allele origin: germline.

Genome-Nilou Lab
Classification: Uncertain significance for Nemaline myopathy 2. Last evaluated: 2021-05-18. Review status: criteria provided, single submitter. Criteria: ACMG Guidelines, 2015. Collection method: clinical testing. Allele origin: germline. Affected: no.

Illumina Laboratory Services, Illumina
Classification: Uncertain significance for Nemaline myopathy 2. Last evaluated: 2018-01-12. Review status: criteria provided, single submitter. Criteria: ICSL Variant Classification Criteria 13 December 2019. Collection method: clinical testing. Allele origin: germline.

PreventionGenetics, part of Exact Sciences
Classification: Uncertain significance for NEB-related condition. Last evaluated: 2024-01-07. Review status: no assertion criteria provided. Collection method: clinical testing. Allele origin: germline. Not counted in ClinVar's aggregate classification.
Comment: The NEB c.10029G>C variant is predicted to result in the amino acid substitution p.Lys3343Asn. To our knowledge, this variant has not been reported in the literature. This variant is reported in 0.020% of alleles in individuals of Latino descent in gnomAD. At this time, the clinical significance of this variant is uncertain due to the absence of conclusive functional and genetic evidence.

Natera, Inc.
Classification: Uncertain significance for Nemaline myopathy type 2. Last evaluated: 2020-01-17. Review status: no assertion criteria provided. Collection method: clinical testing. Allele origin: germline. Not counted in ClinVar's aggregate classification.

NM_001164508.2(NEB):c.10029G>C (p.Lys3343Asn)

Gene: NEB (nebulin; minus strand). Cytogenetic location: 2q23.3.
Variant type: single nucleotide variant.
Coding change: c.10029G>C on transcript NM_001164508.2 (MANE Select); coding-DNA position 10029, G replaced by C.
Protein change: p.Lys3343Asn; replaces lysine 3343 with asparagine.
Molecular consequence: missense variant.
Genome position (GRCh38, 1-based): chr2:151,627,637, C>G on the plus strand (G>C on the coding strand, the complement: NEB is on the minus strand). VCF-style: chr2-151627637-C-G. GRCh37 (hg19) VCF-style: chr2-152484151-C-G.
Other names: c.10029G>C, p.Lys3343Asn (NM_001164507.2, NM_001271208.2); c.9300G>C, p.Lys3100Asn (NM_004543.5); short protein forms K3343N, K3100N.
Identifiers: ClinVar variation 571623 (VCV000571623.19), dbSNP rs183321773, ClinGen allele CA1909140.